The following is an entry in ClinVar:

NM_000441.2(SLC26A4):c.1694G>A (p.Cys565Tyr)

Gene: SLC26A4 (solute carrier family 26 member 4; plus strand). Cytogenetic location: 7q22.3.
Variant type: single nucleotide variant.
Coding change: c.1694G>A on transcript NM_000441.2 (MANE Select); coding-DNA position 1694, G replaced by A.
Protein change: p.Cys565Tyr; replaces cysteine 565 with tyrosine.
Molecular consequence: missense variant.
Genome position (GRCh38, 1-based): chr7:107,700,162, G>A. VCF-style: chr7-107700162-G-A. GRCh37 (hg19) VCF-style: chr7-107340607-G-A.
Other names: NM_000441.2(SLC26A4):c.1694G>A; short protein forms C565Y.
Identifiers: ClinVar variation 43519 (VCV000043519.31), dbSNP rs111033257, ClinGen allele CA261418.

ClinVar aggregate classification (germline): Likely pathogenic. Review status: reviewed by expert panel (3 of 4 stars). 11 submissions from 11 submitters: Likely pathogenic (1). 10 of the submissions do not count toward it. Last evaluated 2023-07-19.

Conditions:
SLC26A4-related disorder. Also called: SLC26A4-related disorders; SLC26A4-related condition.
Rare genetic deafness. Identifiers: Orphanet 96210, MedGen C5680250.
Pendred syndrome (PDS). Also called: Pendred's syndrome; THYROID DYSHORMONOGENESIS 2B; THYROID HORMONOGENESIS, GENETIC DEFECT IN, 2B; Pendred Syndrome (PDS); DEAFNESS WITH GOITER; GOITER-DEAFNESS SYNDROME. Identifiers: Orphanet 705, MedGen C0271829, MONDO:0010134, OMIM 274600.
Autosomal recessive nonsyndromic hearing loss 4 (DFNB4). Also called: Deafness, autosomal recessive 4, with enlarged vestibular aqueduct; Enlarged vestibular aqueduct, digenic; Nonsyndromic enlarged vestibular aqueduct (NSEVA); FOXI1-Related Pendred Syndrome; KCNJ10-Related Pendred Syndrome; DEAFNESS, AUTOSOMAL RECESSIVE 4, WITH ENLARGED VESTIBULAR AQUEDUCT, DIGENIC. Identifiers: Orphanet 90636, MedGen C3538946, MONDO:0010933, OMIM 600791.

Allele frequency attached by ClinVar (database versions not stated): TOPMed 0.00002; gnomAD 0.00001; gnomAD exomes 0.00001.
gnomAD v4.1: 15 of 1,538,734 alleles (0.00097%); highest among the groups gnomAD compares: Non-Finnish European, 0.0013%; no homozygotes.

Submissions (11):

ClinGen Hearing Loss Variant Curation Expert Panel
Classification: Likely pathogenic for Pendred syndrome. Last evaluated: 2023-07-19. Review status: reviewed by expert panel. Criteria: Clingen Hl Acmg Specifications Cdh23 Coch Gjb2 Kcnq4 Myo6 Myo7a Slc26a4 Tecta Ush2a V2. Collection method: curation. Allele origin: germline. Inheritance: Autosomal recessive inheritance.
Comment: The c.1694G>A variant in SLC26A4 is a missense variant predicted to cause substitution of cysteine by tyrosine at amino acid 565 (p.Cys565Tyr). The highest population minor allele frequency in gnomAD v2.1.1 is 0.006% (1/15418) in European (non-Finnish) population, which is lower than the ClinGen Hearing Loss VCEP threshold less than or equal to 0.00007 (0.007%) for PM2_Supporting, meeting this criterion (PM2_Supporting). Radio isotope assays in Xenopus oocytes and HEK293T cell lines demonstrated that cells transfected with mutant SLC26A4 show a statistically significant decreased efflux of iodide compared to wildtype pendrin indicating that this variant impacts protein function (PS3_Supporting; PMID: 19204907, 31599023). This variant has been detected in at least 4 individuals with Pendred syndrome or nonsyndromic hearing loss with enlarged vestibular aqueduct (total of 3.5 PM3 points, PM3_Strong). One individual with Pendred syndrome was compound heterozygous with a pathogenic variant p.Q514R (ClinVar ID 43511, PMID: 19204907, 15689455). The second individual was a Pendred syndrome patient compound heterozygous with a pathogenic variant p.L236P (ClinVar ID 4817, PMID: 9618166). The third individual had nonsyndromic hearing loss with enlarged vestibular aqueduct which is highly specific for Pendred syndrome and was compound heterozygous with pathogenic p.H723R (ClinVar ID 4825, PMID: 14508505, PP4). In summary, this variant has been classified as likely pathogenic for AR Pendred syndrome based on the ACMG/AMP criteria applied, as specified by the ClinGen Hearing Loss VCEP: PM2_Supporting, PS3_Supporting, PM3_Strong, PP4. (VCEP specifications version 2; 07.19.2023).

Natera, Inc.
Classification: Likely pathogenic for Pendred syndrome. Last evaluated: 2025-04-17. Review status: criteria provided, single submitter. Criteria: Natera Variant Classification Schema (03/2026). Collection method: clinical testing. Allele origin: germline. Not counted in ClinVar's aggregate classification.
Comment: The c.1694G>A variant in SLC26A4 is a missense variant predicted to cause substitution of cysteine to tyrosine at amino acid 565. This variant is rare in the general population with a frequency below the threshold expected for the associated phenotype(s). This variant has been observed in one or more individuals affected with the associated recessive disease, as either homozygous or compound heterozygous with a second variant (PMID: 9618166, 15689455). Multiple computational prediction algorithms suggest this variant is unlikely to affect gene or protein function. Given the available evidence, this variant is classified as Likely Pathogenic.

PreventionGenetics, part of Exact Sciences
Classification: Likely pathogenic for SLC26A4-related condition. Last evaluated: 2024-12-03. Review status: criteria provided, single submitter. Criteria: ACMG Guidelines, 2015. Collection method: clinical testing. Allele origin: germline. Not counted in ClinVar's aggregate classification.
Comment: The SLC26A4 c.1694G>A variant is predicted to result in the amino acid substitution p.Cys565Tyr. This variant has been reported in the compound heterozygous state with other pathogenic variants in patients with Pendred syndrome or nonsyndromic hearing loss with enlarged vestibular aqueduct (Choi et al. 2009. PubMed ID: 19204907; Pryor et al. 2005. PubMed ID: 15689455; van Hauwe et al. 1998. PubMed ID: 9618166; Tsukamoto et al. 2003. PubMed ID: 14508505). Functional in vitro experiments found this variant results in reduced anion transport activity (Choi et al. 2009. PubMed ID: 19204907; Wasano et al. 2019. PubMed ID: 31599023). This variant has been reported by the ClinGen Hearing Loss Variant Curation Expert Panel as likely pathogenic. This variant is reported in 0.0065% of alleles in individuals of European (Non-Finnish) descent in gnomAD. This variant is interpreted as likely pathogenic.

Fulgent Genetics
Classification: Likely pathogenic for Pendred syndrome; Autosomal recessive nonsyndromic hearing loss 4. Last evaluated: 2024-03-06. Review status: criteria provided, single submitter. Criteria: ACMG Guidelines, 2015. Collection method: clinical testing. Allele origin: germline. Not counted in ClinVar's aggregate classification.

Women's Health and Genetics/Laboratory Corporation of America, LabCorp
Classification: Likely pathogenic for Pendred syndrome. Last evaluated: 2024-03-05. Review status: criteria provided, single submitter. Criteria: LabCorp Variant Classification Summary - May 2015. Collection method: clinical testing. Allele origin: germline. Not counted in ClinVar's aggregate classification.
Comment: Variant summary: SLC26A4 c.1694G>A (p.Cys565Tyr) results in a non-conservative amino acid change located in the STAS domain (IPR002645) of the encoded protein sequence. Four of five in-silico tools predict a damaging effect of the variant on protein function. The variant was absent in 250542 control chromosomes (gnomAD). c.1694G>A has been reported in the literature in individuals affected with Pendred Syndrome or non-syndromic hearing loss with enlarged vestibular aqueduct who were compound heterozygous with pathogenic/likely pathogenic variants (van Hauwe_1998, Tsukamoto_2003, Choi_2009). These data indicate that the variant is likely to be associated with disease. Publications report experimental evidence evaluating an impact on protein function, finding that the variant results in a significant reduction in transport activity (Choi_2009, Wasana_2020). The following publications have been ascertained in the context of this evaluation (PMID: 9618166, 14508505, 19204907, 31599023). ClinVar contains an entry for this variant (Variation ID: 43519). A ClinGen expert panel has classified the variant as likely pathogenic. Based on the evidence outlined above, the variant was classified as likely pathogenic.

Labcorp Genetics (formerly Invitae), Labcorp
Classification: Pathogenic. Last evaluated: 2024-02-29. Review status: criteria provided, single submitter. Criteria: Invitae Variant Classification Sherloc (09022015). Collection method: clinical testing. Allele origin: germline. Not counted in ClinVar's aggregate classification.
Comment: This sequence change replaces cysteine, which is neutral and slightly polar, with tyrosine, which is neutral and polar, at codon 565 of the SLC26A4 protein (p.Cys565Tyr). This variant is present in population databases (rs111033257, gnomAD 0.007%). This missense change has been observed in individual(s) with clinical features of SLC26A4-related conditions (PMID: 9618166, 14508505, 19204907, 26346818). In at least one individual the data is consistent with being in trans (on the opposite chromosome) from a pathogenic variant. ClinVar contains an entry for this variant (Variation ID: 43519). Advanced modeling of protein sequence and biophysical properties (such as structural, functional, and spatial information, amino acid conservation, physicochemical variation, residue mobility, and thermodynamic stability) has been performed at Invitae for this missense variant, however the output from this modeling did not meet the statistical confidence thresholds required to predict the impact of this variant on SLC26A4 protein function. Experimental studies are conflicting or provide insufficient evidence to determine the effect of this variant on SLC26A4 function (PMID: 19204907, 20826203, 28341401, 33801843). This variant disrupts the p.Cys565 amino acid residue in SLC26A4. Other variant(s) that disrupt this residue have been observed in individuals with SLC26A4-related conditions (PMID: 16570074), which suggests that this may be a clinically significant amino acid residue. For these reasons, this variant has been classified as Pathogenic.

Baylor Genetics
Classification: Pathogenic for Autosomal recessive nonsyndromic hearing loss 4. Last evaluated: 2024-02-01. Review status: criteria provided, single submitter. Criteria: ACMG Guidelines, 2015. Collection method: clinical testing. Allele origin: unknown. Not counted in ClinVar's aggregate classification.

Revvity Omics, Revvity
Classification: Likely pathogenic. Last evaluated: 2020-10-11. Review status: criteria provided, single submitter. Criteria: ACMG Guidelines, 2015. Collection method: clinical testing. Allele origin: germline. Not counted in ClinVar's aggregate classification.

Laboratory for Molecular Medicine, Mass General Brigham Personalized Medicine
Classification: Likely pathogenic for Rare genetic deafness. Last evaluated: 2012-04-30. Review status: criteria provided, single submitter. Criteria: LMM Criteria. Collection method: clinical testing. Allele origin: germline. Inheritance: Autosomal recessive inheritance. Observed: 2 variant alleles. Not counted in ClinVar's aggregate classification.
Comment: The Cys565Tyr variant (SLC26A4) has been reported in one individual with Pendred syndrome and one individual with nonsyndromic hearing loss with enlarged vestib ular aqueducts (EVA), both of whom carried a second SLC26A4 variant, and was abs ent in 192 control chromosomes (Van Hauwe 1998, Tsukamoto 2003). Studies have shown t hat the Cys565Tyr variant does not appear to impact certain protein functions (C hoi 2009, Ishihara 2010). However, these in vitro assays may not accurately repr esent biological function or fully assess all functions of the protein. In summa ry, this variant is likely to be pathogenic, though additional studies are requi red to fully establish the pathogenicity of this variant.

National Institute of Sensory Organs, National Hospital Organization Tokyo Medical Center
Classification: Affects for Autosomal recessive nonsyndromic hearing loss 4. Last evaluated: 2019-08-20. Review status: no assertion criteria provided. Collection method: literature only, in vitro. Allele origin: germline. Inheritance: Autosomal recessive inheritance. Affected: yes. Functional consequence: loss_of_function_variant. Not counted in ClinVar's aggregate classification.
Comment: in vitro experiment

Counsyl
Classification: Likely pathogenic for Pendred syndrome. Last evaluated: 2017-03-30. Review status: no assertion criteria provided. Collection method: clinical testing. Allele origin: unknown. Not counted in ClinVar's aggregate classification.

Literature cited by the submitters: PubMed 9618166 (cited by 6 submitters); PubMed 15689455 (cited by 3 submitters); PubMed 31599023 (cited by Women's Health and Genetics/Laboratory Corporation of America, LabCorp and National Institute of Sensory Organs, National Hospital Organization Tokyo Medical Center); PubMed 19204907 (cited by 5 submitters); PubMed 14508505 (cited by 4 submitters); PubMed 26346818 (cited by Labcorp Genetics (formerly Invitae), Labcorp and National Institute of Sensory Organs, National Hospital Organization Tokyo Medical Center); PubMed 20826203 (cited by 4 submitters); PubMed 28341401 (cited by Labcorp Genetics (formerly Invitae), Labcorp); PubMed 33801843 (cited by Labcorp Genetics (formerly Invitae), Labcorp); PubMed 16570074 (cited by Labcorp Genetics (formerly Invitae), Labcorp); PubMed 16950989 (cited by Laboratory for Molecular Medicine, Mass General Brigham Personalized Medicine and Counsyl); PubMed 15720248 (cited by Laboratory for Molecular Medicine, Mass General Brigham Personalized Medicine and Counsyl); PubMed 19578036 (cited by Counsyl); PubMed 22116358 (cited by Counsyl); PubMed 22384008 (cited by Counsyl); PubMed 24599119 (cited by Counsyl); PubMed 11317356 (cited by Counsyl); PubMed 14679580 (cited by Counsyl); PubMed 19040761 (cited by Counsyl); PubMed 19620588 (cited by Counsyl).